The following is an entry in ClinVar:

ClinVar aggregate classification (germline): Uncertain significance. Review status: criteria provided, single submitter (1 of 4 stars). 2 submissions from 2 submitters: Uncertain significance (1). 1 of the submissions does not count toward it. Last evaluated 2024-09-24.

Conditions:
Hereditary cancer-predisposing syndrome. Also called: Neoplastic Syndromes, Hereditary; Tumor predisposition; Hereditary Cancer Syndrome; Hereditary neoplastic syndrome. Identifiers: Orphanet 140162, MedGen C0027672, MeSH D009386, MONDO:0015356.
BARD1-related disorder. Also called: BARD1-related condition.

gnomAD v4.1: 4 of 1,603,392 alleles (0.00025%); no homozygotes.

Submissions (2):

Ambry Genetics
Classification: Uncertain significance for Hereditary cancer-predisposing syndrome. Last evaluated: 2024-09-24. Review status: criteria provided, single submitter. Criteria: Ambry Variant Classification Scheme 2023. Collection method: clinical testing. Allele origin: germline.
Comment: The p.P24A variant (also known as c.70C>G), located in coding exon 1 of the BARD1 gene, results from a C to G substitution at nucleotide position 70. The proline at codon 24 is replaced by alanine, an amino acid with highly similar properties. This amino acid position is well conserved in available vertebrate species. In addition, this alteration is predicted to be tolerated by in silico analysis. Since supporting evidence is limited at this time, the clinical significance of this alteration remains unclear.

PreventionGenetics, part of Exact Sciences
Classification: Uncertain significance for BARD1-related condition. Last evaluated: 2023-11-22. Review status: no assertion criteria provided. Collection method: clinical testing. Allele origin: germline. Not counted in ClinVar's aggregate classification.
Comment: The BARD1 c.70C>G variant is predicted to result in the amino acid substitution p.Pro24Ala. To our knowledge, this variant has not been reported in the literature or in a large population database, indicating this variant is rare. It is interpreted as uncertain significance in ClinVar. At this time, the clinical significance of this variant is uncertain due to the absence of conclusive functional and genetic evidence.

NM_000465.4(BARD1):c.70C>G (p.Pro24Ala)

Gene: BARD1 (BRCA1 associated RING domain 1; minus strand). Cytogenetic location: 2q35.
Variant type: single nucleotide variant.
Coding change: c.70C>G on transcript NM_000465.4 (MANE Select); coding-DNA position 70, C replaced by G.
Protein change: p.Pro24Ala; replaces proline 24 with alanine.
Molecular consequence: missense variant. On other transcripts: non-coding transcript variant (3).
Genome position (GRCh38, 1-based): chr2:214,809,500, G>C on the plus strand (C>G on the coding strand, the complement: BARD1 is on the minus strand). VCF-style: chr2-214809500-G-C. GRCh37 (hg19) VCF-style: chr2-215674224-G-C.
Other names: c.70C>G, p.Pro24Ala (NM_001282543.2, NM_001282545.2, NM_001282548.2 and 1 more transcripts); c.70C>G (NM_000465.3); short protein forms P24A.
Identifiers: ClinVar variation 1757163 (VCV001757163.5), dbSNP rs1048108, ClinGen allele CA350465166.